The following is an entry in ClinVar:

ClinVar aggregate classification (germline): Pathogenic. Review status: criteria provided, multiple submitters, no conflicts (2 of 4 stars). 2 submissions from 2 submitters: Pathogenic (2). Last evaluated 2020-10-23.

Submissions (2):

Institute of Medical Genetics and Applied Genomics, University Hospital Tübingen
Classification: Pathogenic. Last evaluated: 2020-10-23. Review status: criteria provided, single submitter. Criteria: ACMG Guidelines, 2015. Collection method: clinical testing. Allele origin: germline. Inheritance: Unknown mechanism. Affected: yes.

GeneDx
Classification: Pathogenic. Last evaluated: 2017-06-07. Review status: criteria provided, single submitter. Criteria: GeneDx Variant Classification (06012015). Collection method: clinical testing. Allele origin: germline. Affected: yes.
Comment: The G281X variant in the SPAST gene has been reported previously in association with autosomal dominant spastic paraplegia (Dufke et al., 2012). This variant is predicted to cause loss of normal protein function either through protein truncation or nonsense-mediated mRNA decay. The G281X variant is not observed in large population cohorts (Lek et al., 2016; 1000 Genomes Consortium et al., 2015; Exome Variant Server). Therefore, this variant is likely pathogenic; however, the possibility that it is benign cannot be excluded.

NM_014946.4(SPAST):c.841G>T (p.Gly281Ter)

Gene: SPAST (spastin; plus strand). Cytogenetic location: 2p22.3.
Variant type: single nucleotide variant.
Coding change: c.841G>T on transcript NM_014946.4 (MANE Select); coding-DNA position 841, G replaced by T.
Protein change: p.Gly281Ter; replaces glycine 281 with a stop codon.
Molecular consequence: nonsense.
Genome position (GRCh38, 1-based): chr2:32,114,796, G>T. VCF-style: chr2-32114796-G-T. GRCh37 (hg19) VCF-style: chr2-32339865-G-T.
Other names: c.838G>T, p.Gly280Ter (NM_001363823.2); c.742G>T, p.Gly248Ter (NM_001363875.2); c.745G>T, p.Gly249Ter (NM_001377959.1, NM_199436.2); short protein forms G281*, G249*, G248*, G280*.
Identifiers: ClinVar variation 489004 (VCV000489004.4), dbSNP rs1553314951, ClinGen allele CA346498826.
Genomic context (GRCh38, chr2:32,114,796, plus strand): 5'-TCAGGCCACCATAGAGCACCTAGTTACAGTGGTTTATCCATGGTTTCTGGAGTGAAACAG[G>T]GATCTGGTCCTGCTCCTACCACTCATAAGGTATTCTGGGACAGTAACTTTAATTGCTGTC-3'